The following is an entry in ClinVar:

NM_001909.5(CTSD):c.658C>T (p.Gln220Ter)

Gene: CTSD (cathepsin D; minus strand). Cytogenetic location: 11p15.5.
Variant type: single nucleotide variant.
Coding change: c.658C>T on transcript NM_001909.5 (MANE Select); coding-DNA position 658, C replaced by T.
Protein change: p.Gln220Ter; replaces glutamine 220 with a stop codon.
Molecular consequence: nonsense.
Genome position (GRCh38, 1-based): chr11:1,757,370, G>A on the plus strand (C>T on the coding strand, the complement: CTSD is on the minus strand). VCF-style: chr11-1757370-G-A. GRCh37 (hg19) VCF-style: chr11-1778600-G-A.
Other names: short protein forms Q220*.
Identifiers: ClinVar variation 2010906 (VCV002010906.4), dbSNP rs2493823481, ClinGen allele CA379095917.
Genomic context (GRCh38, chr11:1,757,370, plus strand): 5'-ACCCACACGCCCACCTGCTCAGGTAGAAGGAGAAGATGTTCTGGTCCACCAGCTTCTGCT[G>A]CATCAGGTTGTCGAAGACGGGCAGCACGTTGTTGACGGAGATGCGGGGGTAGGCCATGCC-3'

ClinVar aggregate classification (germline): Pathogenic (1 of 4 stars; one submission).

Conditions:
Neuronal ceroid lipofuscinosis. Also called: Neuronal Ceroid Lipofuscinoses. Identifiers: Orphanet 216, Orphanet 79263, MedGen C0027877, MONDO:0016295. Disease mechanism: loss of function.

Submission:

Labcorp Genetics (formerly Invitae), Labcorp
Classification: Pathogenic for Neuronal ceroid lipofuscinosis. Last evaluated: 2022-08-03. Review status: criteria provided, single submitter. Criteria: Invitae Variant Classification Sherloc (09022015). Collection method: clinical testing. Allele origin: germline.
Comment: For these reasons, this variant has been classified as Pathogenic. This variant has not been reported in the literature in individuals affected with CTSD-related conditions. This variant is not present in population databases (gnomAD no frequency). This sequence change creates a premature translational stop signal (p.Gln220*) in the CTSD gene. It is expected to result in an absent or disrupted protein product. Loss-of-function variants in CTSD are known to be pathogenic (PMID: 16670177, 26059544).

Literature cited by the submitters: PubMed 16670177; PubMed 26059544.